The following is an entry in ClinVar:

ClinVar aggregate classification (germline): Benign (0 of 4 stars; one submission).

Conditions:
HLA-B-related disorder. Also called: HLA-B-related condition.

Allele frequency attached by ClinVar (database versions not stated): gnomAD 0.03013; 1000 Genomes Project 30x 0.09822; ExAC 0.15813.

Submission:

PreventionGenetics, part of Exact Sciences
Classification: Benign for HLA-B-related condition. Last evaluated: 2020-12-17. Review status: no assertion criteria provided. Collection method: clinical testing. Allele origin: germline.
Comment: This variant is classified as benign based on ACMG/AMP sequence variant interpretation guidelines (Richards et al. 2015 PMID: 25741868, with internal and published modifications).

NM_005514.8(HLA-B):c.539_540del (p.Arg180fs)

Gene: HLA-B (major histocompatibility complex, class I, B; minus strand). Cytogenetic location: 6p21.33.
Variant type: Deletion.
Coding change: c.539_540del on transcript NM_005514.8 (MANE Select); coding-DNA positions 539 to 540, 2 bases deleted (GG; older notation c.539_540delGG).
Protein change: p.Arg180fs; shifts the reading frame from arginine 180.
Molecular consequence: frameshift variant.
Genome position (GRCh38, 1-based): chr6:31,356,246-31,356,247, CC deleted on the plus strand (GG on the coding strand, the reverse complement: HLA-B is on the minus strand). VCF-style (leftmost placement, unchanged base first): chr6-31356245-TCC-T. GRCh37 (hg19) VCF-style: chr6-31324022-TCC-T.
Other names: short protein forms R180fs.
Identifiers: ClinVar variation 3059333 (VCV003059333.2), dbSNP rs766450595, ClinGen allele CA3711532.
Genomic context (GRCh38, chr6:31,356,245, plus strand): 5'-CCTTCCCGTTCTCCAGGTATCTGCGGAGCCACTCCACGCACTCGCCCTCCAGGTAGGCTC[TCC>T]GCTGCTCCGCCTCACGGGCCGCCTCCCACTTGCGCTGGGTGATCTGAGCCGCCGTGTCCG-3'